The following is an entry in ClinVar:

ClinVar aggregate classification (germline): Pathogenic (1 of 4 stars; one submission).

Conditions:
MOGS-congenital disorder of glycosylation. Also called: GLUCOSIDASE I DEFICIENCY; CDG 2B; MOGS-CDG; CDG IIb. Identifiers: Orphanet 79330, MedGen C1853736, MONDO:0011629, OMIM 606056.

Submission:

Labcorp Genetics (formerly Invitae), Labcorp
Classification: Pathogenic for MOGS-congenital disorder of glycosylation. Last evaluated: 2023-12-28. Review status: criteria provided, single submitter. Criteria: Invitae Variant Classification Sherloc (09022015). Collection method: clinical testing. Allele origin: germline.
Comment: This sequence change creates a premature translational stop signal (p.Trp184*) in the MOGS gene. It is expected to result in an absent or disrupted protein product. Loss-of-function variants in MOGS are known to be pathogenic (PMID: 24716661, 26805780). This variant is not present in population databases (gnomAD no frequency). This variant has not been reported in the literature in individuals affected with MOGS-related conditions. Algorithms developed to predict the effect of sequence changes on RNA splicing suggest that this variant may disrupt the consensus splice site. For these reasons, this variant has been classified as Pathogenic.

Literature cited by the submitters: PubMed 24716661; PubMed 26805780.

NM_006302.3(MOGS):c.551G>A (p.Trp184Ter)

Gene: MOGS (mannosyl-oligosaccharide glucosidase; minus strand). Cytogenetic location: 2p13.1.
Variant type: single nucleotide variant.
Coding change: c.551G>A on transcript NM_006302.3 (MANE Select); coding-DNA position 551, G replaced by A.
Protein change: p.Trp184Ter; replaces tryptophan 184 with a stop codon.
Molecular consequence: nonsense.
Genome position (GRCh38, 1-based): chr2:74,464,524, C>T on the plus strand (G>A on the coding strand, the complement: MOGS is on the minus strand). VCF-style: chr2-74464524-C-T. GRCh37 (hg19) VCF-style: chr2-74691651-C-T.
Other names: c.233G>A, p.Trp78Ter (NM_001146158.2); short protein forms W78*, W184*.
Identifiers: ClinVar variation 2703760 (VCV002703760.3), dbSNP rs2529503222, ClinGen allele CA347380689.
Genomic context (GRCh38, chr2:74,464,524, plus strand): 5'-GGGCTGAGAAAAGGGTGTCCTGAGGCCCTGACCTGAGGCTCTACAGTCACTCTCCAGCTC[C>T]AGTCCCCTCCGTGCTGACCCCCAGGCCTCTTGACGAACTCAGTGGTGAGCCTTAAGGCCC-3'